The following is an entry in ClinVar:

ClinVar aggregate classification (germline): Uncertain significance. Review status: criteria provided, multiple submitters, no conflicts (2 of 4 stars). 4 submissions from 4 submitters: Uncertain significance (4). Last evaluated 2023-12-05.

Conditions:
Arrhythmogenic right ventricular cardiomyopathy (ARVD). Also called: Arrhythmogenic cardiomyopathy; Cardiomyopathy, ARVC; Arrhythmogenic right ventricular dysplasia; Arrhythmogenic Right Ventricular Cardiomyopathy (ARVC). Identifiers: Orphanet 247, MedGen C0349788, MeSH D019571, MONDO:0016587. Disease mechanism: loss of function. Inheritance: Various modes of inheritance.
Cardiomyopathy (CMYO). Also called: Cardiomyopathies. Identifiers: Orphanet 167848, MedGen C0878544, MONDO:0004994, HP:0001638. Inheritance: Various modes of inheritance.
Cardiovascular phenotype. Identifiers: MedGen CN230736.
Arrhythmogenic right ventricular dysplasia 10. Also called: Arrhythmogenic Right Ventricular Dysplasia/Cardiomyopathy10; ARRHYTHMOGENIC RIGHT VENTRICULAR DYSPLASIA, FAMILIAL, 10; Arrhythmogenic right ventricular dysplasia/cardiomyopathy, type 10. Identifiers: MedGen C1857777, MONDO:0012434, OMIM 610193.

Allele frequency attached by ClinVar (database versions not stated): gnomAD 0.00001; gnomAD exomes 0.00001; TOPMed 0.00001; ExAC 0.00002; ESP Exome Variant Server 0.00008.
gnomAD v4.1: 14 of 1,614,086 alleles (0.00087%); highest among the groups gnomAD compares: South Asian, 0.0088%; no homozygotes.

Submissions (4):

Color Diagnostics, LLC DBA Color Health
Classification: Uncertain significance for Cardiomyopathy. Last evaluated: 2023-12-05. Review status: criteria provided, single submitter. Criteria: ACMG Guidelines, 2015. Collection method: clinical testing. Allele origin: germline.
Comment: This missense variant replaces isoleucine with valine at codon 481 of the DSG2 protein. Computational prediction suggests that this variant may not impact protein structure and function (internally defined REVEL score threshold <= 0.5, PMID: 27666373). To our knowledge, functional studies have not been reported for this variant. This variant has not been reported in individuals affected with DSG2-related disorders in the literature. This variant has been identified in 3/249270 chromosomes in the general population by the Genome Aggregation Database (gnomAD). The available evidence is insufficient to determine the role of this variant in disease conclusively. Therefore, this variant is classified as a Variant of Uncertain Significance.

All of Us Research Program, National Institutes of Health
Classification: Uncertain significance for Arrhythmogenic right ventricular cardiomyopathy. Last evaluated: 2023-06-28. Review status: criteria provided, single submitter. Criteria: ACMG Guidelines, 2015. Collection method: clinical testing. Allele origin: germline. Inheritance: Autosomal dominant inheritance. Observed: 1 variant allele, 1 heterozygote.
Comment: This study involves interpretation of variants in research participants for the purpose of population health screening. Participant phenotype was not available at the time of variant classification. Additional details can be found in publication PMID: 35346344, PMCID: PMC8962531

Ambry Genetics
Classification: Uncertain significance for Cardiovascular phenotype. Last evaluated: 2022-10-27. Review status: criteria provided, single submitter. Criteria: Ambry Variant Classification Scheme 2023. Collection method: clinical testing. Allele origin: germline.
Comment: The p.I481V variant (also known as c.1441A>G), located in coding exon 11 of the DSG2 gene, results from an A to G substitution at nucleotide position 1441. The isoleucine at codon 481 is replaced by valine, an amino acid with highly similar properties. This amino acid position is conserved. In addition, this alteration is predicted to be tolerated by in silico analysis. Since supporting evidence is limited at this time, the clinical significance of this alteration remains unclear.

Labcorp Genetics (formerly Invitae), Labcorp
Classification: Uncertain significance for Arrhythmogenic right ventricular dysplasia 10. Last evaluated: 2021-08-02. Review status: criteria provided, single submitter. Criteria: Invitae Variant Classification Sherloc (09022015). Collection method: clinical testing. Allele origin: germline.
Comment: This sequence change replaces isoleucine with valine at codon 481 of the DSG2 protein (p.Ile481Val). The isoleucine residue is moderately conserved and there is a small physicochemical difference between isoleucine and valine. This variant is present in population databases (rs368419383, ExAC 0.006%). This variant has not been reported in the literature in individuals affected with DSG2-related conditions. ClinVar contains an entry for this variant (Variation ID: 927889). Algorithms developed to predict the effect of missense changes on protein structure and function output the following: SIFT: "Tolerated"; PolyPhen-2: "Benign"; Align-GVGD: "Class C0". The valine amino acid residue is found in multiple mammalian species, which suggests that this missense change does not adversely affect protein function. In summary, the available evidence is currently insufficient to determine the role of this variant in disease. Therefore, it has been classified as a Variant of Uncertain Significance.

NM_001943.5(DSG2):c.1441A>G (p.Ile481Val)

Gene: DSG2 (desmoglein 2; plus strand). Cytogenetic location: 18q12.1.
Variant type: single nucleotide variant.
Coding change: c.1441A>G on transcript NM_001943.5 (MANE Select); coding-DNA position 1441, A replaced by G.
Protein change: p.Ile481Val; replaces isoleucine 481 with valine.
Molecular consequence: missense variant.
Genome position (GRCh38, 1-based): chr18:31,536,219, A>G. VCF-style: chr18-31536219-A-G. GRCh37 (hg19) VCF-style: chr18-29116182-A-G.
Other names: short protein forms I481V.
Identifiers: ClinVar variation 927889 (VCV000927889.8), dbSNP rs368419383, ClinGen allele CA042483.